The following is an entry in ClinVar:

NM_003839.4(TNFRSF11A):c.317G>C (p.Ser106Thr)

Gene: TNFRSF11A (TNF receptor superfamily member 11a; plus strand). Cytogenetic location: 18q21.33.
Variant type: single nucleotide variant.
Coding change: c.317G>C on transcript NM_003839.4 (MANE Select); coding-DNA position 317, G replaced by C.
Protein change: p.Ser106Thr; replaces serine 106 with threonine.
Molecular consequence: missense variant.
Genome position (GRCh38, 1-based): chr18:62,354,424, G>C. VCF-style: chr18-62354424-G-C. GRCh37 (hg19) VCF-style: chr18-60021657-G-C.
Other names: c.317G>C, p.Ser106Thr (NM_001278268.2, NM_001270949.2, NM_001270950.2 and 1 more transcripts); short protein forms S106T.
Identifiers: ClinVar variation 4774016 (VCV004774016.1).

ClinVar aggregate classification (germline): Uncertain significance (1 of 4 stars; one submission).

Submission:

Labcorp Genetics (formerly Invitae), Labcorp
Classification: Uncertain significance. Last evaluated: 2026-01-29. Review status: criteria provided, single submitter. Criteria: Invitae Variant Classification Sherloc (09022015). Collection method: clinical testing. Allele origin: germline.
Comment: This sequence change replaces serine, which is neutral and polar, with threonine, which is neutral and polar, at codon 106 of the TNFRSF11A protein (p.Ser106Thr). This variant is not present in population databases (gnomAD no frequency). This variant has not been reported in the literature in individuals affected with TNFRSF11A-related conditions. Invitae Evidence Modeling of protein sequence and biophysical properties (such as structural, functional, and spatial information, amino acid conservation, physicochemical variation, residue mobility, and thermodynamic stability) indicates that this missense variant is not expected to disrupt TNFRSF11A protein function with a negative predictive value of 80%. In summary, the available evidence is currently insufficient to determine the role of this variant in disease. Therefore, it has been classified as a Variant of Uncertain Significance.